The following is an entry in ClinVar:

ClinVar aggregate classification (germline): Uncertain significance (1 of 4 stars; one submission).

Conditions:
Inborn genetic diseases. Identifiers: MedGen C0950123, MeSH D030342.

Submission:

Ambry Genetics
Classification: Uncertain significance for Inborn genetic diseases. Last evaluated: 2026-05-14. Review status: criteria provided, single submitter. Criteria: Ambry Variant Classification Scheme 2023. Collection method: clinical testing. Allele origin: germline.
Comment: The p.L355V variant (also known as c.1063C>G), located in coding exon 12 of the FANCA gene, results from a C to G substitution at nucleotide position 1063. The leucine at codon 355 is replaced by valine, an amino acid with highly similar properties. This amino acid position is conserved. In addition, the in silico prediction for this alteration is inconclusive. Based on the available evidence, the clinical significance of this variant remains unclear.

NM_000135.4(FANCA):c.1063C>G (p.Leu355Val)

Gene: FANCA (FA complementation group A; minus strand). Cytogenetic location: 16q24.3.
Variant type: single nucleotide variant.
Coding change: c.1063C>G on transcript NM_000135.4 (MANE Select); coding-DNA position 1063, C replaced by G.
Protein change: p.Leu355Val; replaces leucine 355 with valine.
Molecular consequence: missense variant.
Genome position (GRCh38, 1-based): chr16:89,792,491, G>C on the plus strand (C>G on the coding strand, the complement: FANCA is on the minus strand). VCF-style: chr16-89792491-G-C. GRCh37 (hg19) VCF-style: chr16-89858899-G-C.
Other names: c.1063C>G, p.Leu355Val (NM_001286167.3); short protein forms L355V.
Identifiers: ClinVar variation 4870863 (VCV004870863.1).